The following is an entry in ClinVar:

ClinVar aggregate classification (germline): Uncertain significance (1 of 4 stars; one submission).

Conditions:
Cardiovascular phenotype. Identifiers: MedGen CN230736.

Allele frequency attached by ClinVar (database versions not stated): gnomAD exomes below 0.00001; TOPMed below 0.00001.
gnomAD v4.1: 1 of 1,551,388 alleles (0.000064%); no homozygotes.

Submission:

Ambry Genetics
Classification: Uncertain significance for Cardiovascular phenotype. Last evaluated: 2023-12-30. Review status: criteria provided, single submitter. Criteria: Ambry Variant Classification Scheme 2023. Collection method: clinical testing. Allele origin: germline.
Comment: The p.T206S variant (also known as c.616A>T), located in coding exon 2 of the RBM20 gene, results from an A to T substitution at nucleotide position 616. The threonine at codon 206 is replaced by serine, an amino acid with similar properties. This amino acid position is conserved. In addition, this alteration is predicted to be tolerated by in silico analysis. Since supporting evidence is limited at this time, the clinical significance of this alteration remains unclear.

NM_001134363.3(RBM20):c.616A>T (p.Thr206Ser)

Gene: RBM20 (RNA binding motif protein 20; plus strand). Cytogenetic location: 10q25.2.
Variant type: single nucleotide variant.
Coding change: c.616A>T on transcript NM_001134363.3 (MANE Select); coding-DNA position 616, A replaced by T.
Protein change: p.Thr206Ser; replaces threonine 206 with serine.
Molecular consequence: missense variant.
Genome position (GRCh38, 1-based): chr10:110,781,225, A>T. VCF-style: chr10-110781225-A-T. GRCh37 (hg19) VCF-style: chr10-112540983-A-T.
Other names: short protein forms T206S.
Identifiers: ClinVar variation 3233218 (VCV003233218.1), dbSNP rs1483379306, ClinGen allele CA378381629.